The following is an entry in ClinVar:

NM_000329.3(RPE65):c.1524G>C (p.Lys508Asn)

Gene: RPE65 (retinoid isomerohydrolase RPE65; minus strand). Cytogenetic location: 1p31.3.
Variant type: single nucleotide variant.
Coding change: c.1524G>C on transcript NM_000329.3 (MANE Select); coding-DNA position 1524, G replaced by C.
Protein change: p.Lys508Asn; replaces lysine 508 with asparagine.
Molecular consequence: missense variant.
Genome position (GRCh38, 1-based): chr1:68,429,854, C>G on the plus strand (G>C on the coding strand, the complement: RPE65 is on the minus strand). VCF-style: chr1-68429854-C-G. GRCh37 (hg19) VCF-style: chr1-68895537-C-G.
Other names: c.1416G>C, p.Lys472Asn (NM_001406853.1); c.1248G>C, p.Lys416Asn (NM_001406856.1, NM_001406857.1); short protein forms K416N, K472N, K508N.
Identifiers: ClinVar variation 1977498 (VCV001977498.4), dbSNP rs369335287, ClinGen allele CA23562561.

ClinVar aggregate classification (germline): Uncertain significance. Review status: criteria provided, multiple submitters, no conflicts (2 of 4 stars). 2 submissions from 2 submitters: Uncertain significance (2). Last evaluated 2025-03-17.

Conditions:
Leber congenital amaurosis 2 (LCA2). Also called: AMAUROSIS CONGENITA OF LEBER II; Autosomal Recessive RPE65-Related Retinal Degeneration. Identifiers: Orphanet 65, MedGen C1859844, MONDO:0008765, OMIM 204100. Disease mechanism: loss of function.
Retinitis pigmentosa 20 (RP20). Identifiers: Orphanet 791, MedGen C3151086, MONDO:0013425, OMIM 613794.

Allele frequency attached by ClinVar (database versions not stated): gnomAD exomes below 0.00001; ESP Exome Variant Server 0.00008.
gnomAD v4.1: 2 of 1,613,708 alleles (0.00012%); highest among the groups gnomAD compares: Non-Finnish European, 0.00017%; no homozygotes.

Submissions (2):

Labcorp Genetics (formerly Invitae), Labcorp
Classification: Uncertain significance for Leber congenital amaurosis 2; Retinitis pigmentosa 20. Last evaluated: 2025-03-17. Review status: criteria provided, single submitter. Criteria: Invitae Variant Classification Sherloc (09022015). Collection method: clinical testing. Allele origin: germline.
Comment: This sequence change replaces lysine, which is basic and polar, with asparagine, which is neutral and polar, at codon 508 of the RPE65 protein (p.Lys508Asn). This variant is present in population databases (rs369335287, gnomAD 0.0009%). This variant has not been reported in the literature in individuals affected with RPE65-related conditions. ClinVar contains an entry for this variant (Variation ID: 1977498). Invitae Evidence Modeling of protein sequence and biophysical properties (such as structural, functional, and spatial information, amino acid conservation, physicochemical variation, residue mobility, and thermodynamic stability) indicates that this missense variant is not expected to disrupt RPE65 protein function with a negative predictive value of 80%. In summary, the available evidence is currently insufficient to determine the role of this variant in disease. Therefore, it has been classified as a Variant of Uncertain Significance.

Blueprint Genetics
Classification: Uncertain significance. Last evaluated: 2021-11-10. Review status: criteria provided, single submitter. Criteria: ACMG Guidelines, 2015. Collection method: clinical testing. Allele origin: germline.